The following is an entry in ClinVar:

NM_001288705.3(CSF1R):c.1913G>C (p.Ser638Thr)

Gene: CSF1R (colony stimulating factor 1 receptor; minus strand). Cytogenetic location: 5q32.
Variant type: single nucleotide variant.
Coding change: c.1913G>C on transcript NM_001288705.3 (MANE Select); coding-DNA position 1913, G replaced by C.
Protein change: p.Ser638Thr; replaces serine 638 with threonine.
Molecular consequence: missense variant. On other transcripts: non-coding transcript variant (2).
Genome position (GRCh38, 1-based): chr5:150,060,918, C>G on the plus strand (G>C on the coding strand, the complement: CSF1R is on the minus strand). VCF-style: chr5-150060918-C-G. GRCh37 (hg19) VCF-style: chr5-149440481-C-G.
Other names: c.1913G>C, p.Ser638Thr (NM_001349736.2, NM_001375320.1, NM_005211.4); c.1469G>C, p.Ser490Thr (NM_001375321.1); c.1913G>C (NM_005211.3); short protein forms S490T, S638T.
Identifiers: ClinVar variation 1210062 (VCV001210062.8), dbSNP rs541530647, ClinGen allele CA129061683.
Genomic context (GRCh38, chr5:150,060,918, plus strand): 5'-TTACCTCCATGGGTACAGGCTCCCAGAAGGTTGACGATGTTCTCGTGCTGGCCCAGGTGG[C>G]TCATGATCTTCAGCTCGGACATGAGGGCCTCCTTCTCATCAGCATGGGCCGTGGCTGGGA-3'
Protein context (NP_001275634.1, residues 628-648): EALMSELKIM[Ser638Thr]HLGQHENIVN

ClinVar aggregate classification (germline): Uncertain significance. Review status: criteria provided, multiple submitters, no conflicts (2 of 4 stars). 5 submissions from 5 submitters: Uncertain significance (2). 3 of the submissions do not count toward it. Last evaluated 2025-01-23.

Conditions:
Inborn genetic diseases. Identifiers: MedGen C0950123, MeSH D030342.
CSF1R-related disorder. Also called: CSF1R-related condition. Identifiers: MedGen CN379780, MONDO:0100632.

Allele frequency attached by ClinVar (database versions not stated): gnomAD exomes 0.00001; TOPMed 0.00001; gnomAD 0.00002.
gnomAD v4.1: 19 of 1,611,336 alleles (0.0012%); highest among the groups gnomAD compares: Non-Finnish European, 0.0016%; no homozygotes.

Submissions (5):

Ambry Genetics
Classification: Uncertain significance for Inborn genetic diseases. Last evaluated: 2025-01-23. Review status: criteria provided, single submitter. Criteria: Ambry Variant Classification Scheme 2023. Collection method: clinical testing. Allele origin: germline.

Labcorp Genetics (formerly Invitae), Labcorp
Classification: Uncertain significance. Last evaluated: 2023-12-06. Review status: criteria provided, single submitter. Criteria: Invitae Variant Classification Sherloc (09022015). Collection method: clinical testing. Allele origin: germline.
Comment: This sequence change replaces serine, which is neutral and polar, with threonine, which is neutral and polar, at codon 638 of the CSF1R protein (p.Ser638Thr). This variant is present in population databases (rs541530647, gnomAD 0.003%). This variant has not been reported in the literature in individuals affected with CSF1R-related conditions. ClinVar contains an entry for this variant (Variation ID: 1210062). Advanced modeling of protein sequence and biophysical properties (such as structural, functional, and spatial information, amino acid conservation, physicochemical variation, residue mobility, and thermodynamic stability) performed at Invitae indicates that this missense variant is not expected to disrupt CSF1R protein function with a negative predictive value of 95%. In summary, the available evidence is currently insufficient to determine the role of this variant in disease. Therefore, it has been classified as a Variant of Uncertain Significance.

PreventionGenetics, part of Exact Sciences
Classification: Uncertain significance for CSF1R-related condition. Last evaluated: 2024-02-26. Review status: no assertion criteria provided. Collection method: clinical testing. Allele origin: germline. Not counted in ClinVar's aggregate classification.
Comment: The CSF1R c.1913G>C variant is predicted to result in the amino acid substitution p.Ser638Thr. To our knowledge, this variant has not been reported in the literature. This variant is reported in 0.0027% of alleles in individuals of European (non-Finnish) descent in gnomAD. At this time, the clinical significance of this variant is uncertain due to the absence of conclusive functional and genetic evidence.

Clinical Genetics DNA and cytogenetics Diagnostics Lab, Erasmus MC, Erasmus Medical Center
Classification: Uncertain significance. Review status: no assertion criteria provided. Collection method: clinical testing. Allele origin: germline. Affected: yes. Study: VKGL Data-share Consensus. Not counted in ClinVar's aggregate classification.

Genome Diagnostics Laboratory, Amsterdam University Medical Center
Classification: Uncertain significance. Review status: no assertion criteria provided. Collection method: clinical testing. Allele origin: germline. Affected: yes. Study: VKGL Data-share Consensus. Not counted in ClinVar's aggregate classification.